The following is an entry in ClinVar:

ClinVar aggregate classification (germline): Benign/Likely benign. Review status: criteria provided, multiple submitters, no conflicts (2 of 4 stars). 4 submissions from 4 submitters: Benign (1); Likely benign (3). Last evaluated 2026-01-26.

Conditions:
Arrhythmogenic right ventricular dysplasia 11. Also called: Arrhythmogenic Right Ventricular Dysplasia/Cardiomyopathy11; ARRHYTHMOGENIC RIGHT VENTRICULAR DYSPLASIA, FAMILIAL, 11; Arrhythmogenic right ventricular dysplasia 11 with mild palmoplantar keratoderma and woolly hair. Identifiers: MedGen C1864850, MONDO:0012506, OMIM 610476.
Cardiovascular phenotype. Identifiers: MedGen CN230736.
Cardiomyopathy (CMYO). Also called: Cardiomyopathies. Identifiers: Orphanet 167848, MedGen C0878544, MONDO:0004994, HP:0001638. Inheritance: Various modes of inheritance.

Allele frequency attached by ClinVar (database versions not stated): gnomAD exomes below 0.00001 and 0.00001; gnomAD 0.00005 and 0.00006; ExAC 0.00002; TOPMed 0.00006.
gnomAD v4.1: 13 of 1,613,534 alleles (0.00081%); highest among the groups gnomAD compares: African/African-American, 0.017%; no homozygotes.

Submissions (4):

Labcorp Genetics (formerly Invitae), Labcorp
Classification: Likely benign for Arrhythmogenic right ventricular dysplasia 11. Last evaluated: 2026-01-26. Review status: criteria provided, single submitter. Criteria: Invitae Variant Classification Sherloc (09022015). Collection method: clinical testing. Allele origin: germline.

Color Diagnostics, LLC DBA Color Health
Classification: Likely benign for Cardiomyopathy. Last evaluated: 2022-11-06. Review status: criteria provided, single submitter. Criteria: ACMG Guidelines, 2015. Collection method: clinical testing. Allele origin: germline.

Ambry Genetics
Classification: Benign for Cardiovascular phenotype. Last evaluated: 2021-10-08. Review status: criteria provided, single submitter. Criteria: Ambry Variant Classification Scheme 2023. Collection method: clinical testing. Allele origin: germline.

GeneDx
Classification: Likely benign. Last evaluated: 2017-07-14. Review status: criteria provided, single submitter. Criteria: GeneDx Variant Classification (06012015). Collection method: clinical testing. Allele origin: germline. Affected: yes.
Comment: This variant is considered likely benign or benign based on one or more of the following criteria: it is a conservative change, it occurs at a poorly conserved position in the protein, it is predicted to be benign by multiple in silico algorithms, and/or has population frequency not consistent with disease.

NM_024422.6(DSC2):c.2151G>C (p.Gly717=)

Gene: DSC2 (desmocollin 2; minus strand). Cytogenetic location: 18q12.1.
Variant type: single nucleotide variant.
Coding change: c.2151G>C on transcript NM_024422.6 (MANE Select); coding-DNA position 2151, G replaced by C.
Protein change: p.Gly717=; no amino-acid change (glycine 717 retained).
Molecular consequence: synonymous variant.
Genome position (GRCh38, 1-based): chr18:31,070,825, C>G on the plus strand (G>C on the coding strand, the complement: DSC2 is on the minus strand). VCF-style: chr18-31070825-C-G. GRCh37 (hg19) VCF-style: chr18-28650791-C-G.
Other names: c.2151G>C, p.Gly717= (NM_004949.5).
Identifiers: ClinVar variation 510846 (VCV000510846.11), dbSNP rs752691135, ClinGen allele CA035152.
Genomic context (GRCh38, chr18:31,070,825, plus strand): 5'-TAGGTTCTGCTGGGCTAAATCATCAGGAATTACTTTTGGTTGTTTAGACGTCCCAGAAGC[C>G]CCACAGACCAGCGTAAACAGGATGCCTGGAGGAAGAAAGAAATATACTTGAGTTTATCAT-3'
Protein context (NP_077740.1, residues 707-727): LFCILFTLVC[Gly717=]ASGTSKQPKV